The following is an entry in ClinVar:

NM_144666.3(DNHD1):c.3028T>C (p.Cys1010Arg)

Gene: DNHD1 (dynein heavy chain domain 1; plus strand). Cytogenetic location: 11p15.4.
Variant type: single nucleotide variant.
Coding change: c.3028T>C on transcript NM_144666.3 (MANE Select); coding-DNA position 3028, T replaced by C.
Protein change: p.Cys1010Arg; replaces cysteine 1010 with arginine.
Molecular consequence: missense variant.
Genome position (GRCh38, 1-based): chr11:6,538,412, T>C. VCF-style: chr11-6538412-T-C. GRCh37 (hg19) VCF-style: chr11-6559642-T-C.
Other names: short protein forms C1010R.
Identifiers: ClinVar variation 3053322 (VCV003053322.19), dbSNP rs73407163, ClinGen allele CA5855852.

ClinVar aggregate classification (germline): Conflicting classifications of pathogenicity. Review status: criteria provided, conflicting classifications (1 of 4 stars). 3 submissions from 3 submitters: Uncertain significance (1); Likely benign (1). 1 of the submissions does not count toward it. Last evaluated 2025-08-04.

Conditions:
DNHD1-related disorder. Also called: DNHD1-related condition.

Allele frequency attached by ClinVar (database versions not stated): gnomAD exomes 0.00026; ExAC 0.00066; 1000 Genomes Project 0.00180; 1000 Genomes Project 30x 0.00203; gnomAD 0.00219; TOPMed 0.00280; ESP Exome Variant Server 0.00285.
gnomAD v4.1: 707 of 1,551,740 alleles (0.046%); highest among the groups gnomAD compares: African/African-American, 0.82%; 1 homozygote.

Submissions (3):

Ambry Genetics
Classification: Uncertain significance. Last evaluated: 2025-08-04. Review status: criteria provided, single submitter. Criteria: Ambry Variant Classification Scheme 2023. Collection method: clinical testing. Allele origin: germline.

CeGaT Center for Human Genetics Tuebingen
Classification: Likely benign. Last evaluated: 2024-07-01. Review status: criteria provided, single submitter. Criteria: CeGaT Center For Human Genetics Tuebingen Variant Classification Criteria Version 2. Collection method: clinical testing. Allele origin: germline. Affected: yes. Observed: 1 variant allele.
Comment: DNHD1: BP4

PreventionGenetics, part of Exact Sciences
Classification: Benign for DNHD1-related condition. Last evaluated: 2019-08-28. Review status: no assertion criteria provided. Collection method: clinical testing. Allele origin: germline. Not counted in ClinVar's aggregate classification.
Comment: This variant is classified as benign based on ACMG/AMP sequence variant interpretation guidelines (Richards et al. 2015 PMID: 25741868, with internal and published modifications).